The following is an entry in ClinVar:

NM_001854.4(COL11A1):c.4518+1G>A

Gene: COL11A1 (collagen type XI alpha 1 chain; minus strand). Cytogenetic location: 1p21.1.
Variant type: single nucleotide variant.
Coding change: c.4518+1G>A on transcript NM_001854.4 (MANE Select); the canonical splice donor site of the intron after coding-DNA position 4518, G replaced by A.
Molecular consequence: splice donor variant.
Genome position (GRCh38, 1-based): chr1:102,888,865, C>T on the plus strand (G>A on the coding strand, the complement: COL11A1 is on the minus strand). VCF-style: chr1-102888865-C-T. GRCh37 (hg19) VCF-style: chr1-103354421-C-T.
Other names: c.4401+1G>A (NM_001190709.2); c.4554+1G>A (NM_080629.3); c.4170+1G>A (NM_080630.4).
Identifiers: ClinVar variation 2704048 (VCV002704048.3), dbSNP rs2524247635, ClinGen allele CA341212465.

ClinVar aggregate classification (germline): Likely pathogenic (1 of 4 stars; one submission).

Submission:

Labcorp Genetics (formerly Invitae), Labcorp
Classification: Likely pathogenic. Last evaluated: 2023-12-19. Review status: criteria provided, single submitter. Criteria: Invitae Variant Classification Sherloc (09022015). Collection method: clinical testing. Allele origin: germline.
Comment: This sequence change affects a donor splice site in intron 60 of the COL11A1 gene. It is expected to disrupt RNA splicing. Variants that disrupt the donor or acceptor splice site typically lead to a loss of protein function (PMID: 16199547), and loss-of-function variants in COL11A1 are known to be pathogenic (PMID: 20513134, 21035103, 23922384, 25240749, 32427345, 32756486). This variant is not present in population databases (gnomAD no frequency). This variant has not been reported in the literature in individuals affected with COL11A1-related conditions. Algorithms developed to predict the effect of sequence changes on RNA splicing suggest that this variant may disrupt the consensus splice site. In summary, the currently available evidence indicates that the variant is pathogenic, but additional data are needed to prove that conclusively. Therefore, this variant has been classified as Likely Pathogenic.

Literature cited by the submitters: PubMed 16199547; PubMed 20513134; PubMed 21035103; PubMed 23922384; PubMed 25240749; PubMed 32427345; PubMed 32756486.